The following is an entry in ClinVar:

ClinVar aggregate classification (germline): Likely benign. Review status: criteria provided, multiple submitters, no conflicts (2 of 4 stars). 2 submissions from 2 submitters: Likely benign (2). Last evaluated 2024-11-22.

Conditions:
Nephronophthisis 15 (NPHP15). Identifiers: Orphanet 3156, MedGen C3541853, MONDO:0013917, OMIM 614845.
CEP164-related disorder. Also called: CEP164-related condition.

Submissions (2):

PreventionGenetics, part of Exact Sciences
Classification: Likely benign for CEP164-related condition. Last evaluated: 2024-11-22. Review status: criteria provided, single submitter. Criteria: ACMG Guidelines, 2015. Collection method: clinical testing. Allele origin: germline.
Comment: This variant is classified as likely benign based on ACMG/AMP sequence variant interpretation guidelines (Richards et al. 2015 PMID: 25741868, with internal and published modifications).

Labcorp Genetics (formerly Invitae), Labcorp
Classification: Likely benign for Nephronophthisis 15. Last evaluated: 2023-07-21. Review status: criteria provided, single submitter. Criteria: Invitae Variant Classification Sherloc (09022015). Collection method: clinical testing. Allele origin: germline.

NM_014956.5(CEP164):c.2362-10dup

Gene: CEP164 (centrosomal protein 164; plus strand). Cytogenetic location: 11q23.3.
Variant type: Duplication.
Coding change: c.2362-10dup on transcript NM_014956.5 (MANE Select); 10 bases into the intron before coding-DNA position 2362, one base duplicated (G; older notation c.2362-10dupG).
Molecular consequence: intron variant.
Genome position (GRCh38, 1-based): chr11:117,392,486, G duplicated; the last of 5 consecutive G bases (chr11:117,392,482-117,392,486); duplicating any one gives the same sequence. VCF-style (leftmost placement, unchanged base first): chr11-117392481-C-CG. GRCh37 (hg19) VCF-style: chr11-117263197-C-CG.
Other names: c.2371-10dup (NM_001271933.2); c.2362-10dupG (NM_014956.4).
Identifiers: ClinVar variation 1400935 (VCV001400935.9), dbSNP rs1565579377, ClinGen allele CA602137505.
Genomic context (GRCh38, chr11:117,392,481, plus strand): 5'-GAACACATCCCCACACAGCAGCTGTACAGTCTGTCTGAGGGTCACACTCCCCTGTGTGTG[C>CG]GGGGGCCTCCTCAGGTGGTCTCCAGCCTCCAGAAGAAGATACAGGAAGCTCAACAGAAAG-3'